The following is an entry in ClinVar:

ClinVar aggregate classification (germline): Uncertain significance (1 of 4 stars; one submission).

Conditions:
Epilepsy. Also called: Seizure disorder. Identifiers: MedGen C0014544, MeSH D004827, MONDO:0005027.

Submission:

Labcorp Genetics (formerly Invitae), Labcorp
Classification: Uncertain significance for Epilepsy. Last evaluated: 2022-05-25. Review status: criteria provided, single submitter. Criteria: Invitae Variant Classification Sherloc (09022015). Collection method: clinical testing. Allele origin: germline.
Comment: In summary, the available evidence is currently insufficient to determine the role of this variant in disease. Therefore, it has been classified as a Variant of Uncertain Significance. Algorithms developed to predict the effect of missense changes on protein structure and function are either unavailable or do not agree on the potential impact of this missense change (SIFT: "Not Available"; PolyPhen-2: "Possibly Damaging"; Align-GVGD: "Not Available"). This variant has not been reported in the literature in individuals affected with PIGQ-related conditions. This variant is present in population databases (no rsID available, gnomAD 0.04%). This sequence change replaces glutamic acid, which is acidic and polar, with valine, which is neutral and non-polar, at codon 91 of the PIGQ protein (p.Glu91Val).

NM_004204.5(PIGQ):c.272_273delinsTT (p.Glu91Val)

Gene: PIGQ (phosphatidylinositol glycan anchor biosynthesis class Q; plus strand). Cytogenetic location: 16p13.3.
Variant type: Indel.
Coding change: c.272_273delinsTT on transcript NM_004204.5 (MANE Select); coding-DNA positions 272 to 273, AG replaced by TT.
Protein change: p.Glu91Val; replaces glutamic acid 91 with valine.
Molecular consequence: missense variant.
Genome position (GRCh38, 1-based): chr16:574,346-574,347, AG replaced by TT. VCF-style: chr16-574346-AG-TT. GRCh37 (hg19) VCF-style: chr16-624346-AG-TT.
Other names: c.272_273delinsTT, p.Glu91Val (NM_148920.4); short protein forms E91V.
Identifiers: ClinVar variation 2089204 (VCV002089204.3), dbSNP rs2505931180, ClinGen allele CA2580090897.